The following is an entry in ClinVar:

ClinVar aggregate classification (germline): Likely benign (1 of 4 stars; one submission).

Conditions:
ABCA4-related disorder. Also called: ABCA4-related condition; ABCA4-related disorders. Identifiers: MedGen CN239167.

Submission:

PreventionGenetics, part of Exact Sciences
Classification: Likely benign for ABCA4-related condition. Last evaluated: 2025-09-05. Review status: criteria provided, single submitter. Criteria: ACMG Guidelines, 2015. Collection method: clinical testing. Allele origin: germline.
Comment: This variant is classified as likely benign based on ACMG/AMP sequence variant interpretation guidelines (Richards et al. 2015 PMID: 25741868, with internal and published modifications).

NM_000350.3(ABCA4):c.1937+35C>T

Gene: ABCA4 (ATP binding cassette subfamily A member 4; minus strand). Cytogenetic location: 1p22.1.
Variant type: single nucleotide variant.
Coding change: c.1937+35C>T on transcript NM_000350.3 (MANE Select); 35 bases into the intron after coding-DNA position 1937, C replaced by T.
Molecular consequence: intron variant.
Genome position (GRCh38, 1-based): chr1:94,062,542, G>A on the plus strand (C>T on the coding strand, the complement: ABCA4 is on the minus strand). VCF-style: chr1-94062542-G-A. GRCh37 (hg19) VCF-style: chr1-94528098-G-A.
Other names: c.1937+35C>T (NM_001425324.1).
Identifiers: ClinVar variation 4978710 (VCV004978710.1).